The following is an entry in ClinVar:

NM_017999.5(RNF31):c.518C>G (p.Ala173Gly)

Gene: RNF31 (ring finger protein 31; plus strand). Cytogenetic location: 14q12.
Variant type: single nucleotide variant.
Coding change: c.518C>G on transcript NM_017999.5 (MANE Select); coding-DNA position 518, C replaced by G.
Protein change: p.Ala173Gly; replaces alanine 173 with glycine.
Molecular consequence: missense variant.
Genome position (GRCh38, 1-based): chr14:24,148,664, C>G. VCF-style: chr14-24148664-C-G. GRCh37 (hg19) VCF-style: chr14-24617873-C-G.
Other names: c.65C>G, p.Ala22Gly (NM_001310332.2); short protein forms A173G, A22G.
Identifiers: ClinVar variation 3613956 (VCV003613956.2).

ClinVar aggregate classification (germline): Uncertain significance (1 of 4 stars; one submission).

Submission:

Labcorp Genetics (formerly Invitae), Labcorp
Classification: Uncertain significance. Last evaluated: 2024-07-08. Review status: criteria provided, single submitter. Criteria: Invitae Variant Classification Sherloc (09022015). Collection method: clinical testing. Allele origin: germline.
Comment: This sequence change replaces alanine, which is neutral and non-polar, with glycine, which is neutral and non-polar, at codon 173 of the RNF31 protein (p.Ala173Gly). This variant is present in population databases (rs533041762, gnomAD 0.01%). This variant has not been reported in the literature in individuals affected with RNF31-related conditions. An algorithm developed to predict the effect of missense changes on protein structure and function (PolyPhen-2) suggests that this variant is likely to be tolerated. In summary, the available evidence is currently insufficient to determine the role of this variant in disease. Therefore, it has been classified as a Variant of Uncertain Significance.